The following is an entry in ClinVar:

ClinVar aggregate classification (germline): Uncertain significance. Review status: criteria provided, multiple submitters, no conflicts (2 of 4 stars). 2 submissions from 2 submitters: Uncertain significance (2). Last evaluated 2024-04-09.

Conditions:
Inborn genetic diseases. Identifiers: MedGen C0950123, MeSH D030342.

Allele frequency attached by ClinVar (database versions not stated): gnomAD 0.00001; ExAC 0.00002; gnomAD exomes 0.00002 and 0.00003; TOPMed 0.00002.
gnomAD v4.1: 23 of 1,583,944 alleles (0.0015%); highest among the groups gnomAD compares: African/African-American, 0.0027%; no homozygotes.

Submissions (2):

Ambry Genetics
Classification: Uncertain significance for Inborn genetic diseases. Last evaluated: 2024-04-09. Review status: criteria provided, single submitter. Criteria: Ambry Variant Classification Scheme 2023. Collection method: clinical testing. Allele origin: germline.

Labcorp Genetics (formerly Invitae), Labcorp
Classification: Uncertain significance. Last evaluated: 2022-08-20. Review status: criteria provided, single submitter. Criteria: Invitae Variant Classification Sherloc (09022015). Collection method: clinical testing. Allele origin: germline.
Comment: This sequence change replaces arginine, which is basic and polar, with tryptophan, which is neutral and slightly polar, at codon 677 of the SZT2 protein (p.Arg677Trp). This variant is present in population databases (rs747070941, gnomAD 0.01%). This variant has not been reported in the literature in individuals affected with SZT2-related conditions. ClinVar contains an entry for this variant (Variation ID: 1362702). Algorithms developed to predict the effect of missense changes on protein structure and function are either unavailable or do not agree on the potential impact of this missense change (SIFT: "Deleterious"; PolyPhen-2: "Probably Damaging"; Align-GVGD: "Class C0"). In summary, the available evidence is currently insufficient to determine the role of this variant in disease. Therefore, it has been classified as a Variant of Uncertain Significance.

NM_001365999.1(SZT2):c.2029C>T (p.Arg677Trp)

Gene: SZT2 (SZT2 subunit of KICSTOR complex; plus strand). Cytogenetic location: 1p34.2.
Variant type: single nucleotide variant.
Coding change: c.2029C>T on transcript NM_001365999.1 (MANE Select); coding-DNA position 2029, C replaced by T.
Protein change: p.Arg677Trp; replaces arginine 677 with tryptophan.
Molecular consequence: missense variant.
Genome position (GRCh38, 1-based): chr1:43,422,875, C>T. VCF-style: chr1-43422875-C-T. GRCh37 (hg19) VCF-style: chr1-43888546-C-T.
Other names: c.2029C>T, p.Arg677Trp (NM_015284.4); c.2029C>T (NM_015284.3); short protein forms R677W.
Identifiers: ClinVar variation 1362702 (VCV001362702.6), dbSNP rs747070941, ClinGen allele CA808588.